The following is an entry in ClinVar:

ClinVar aggregate classification (germline): Conflicting classifications of pathogenicity. Review status: criteria provided, conflicting classifications (1 of 4 stars). 2 submissions from 2 submitters: Uncertain significance (1); Likely benign (1). Last evaluated 2025-09-02.

gnomAD v4.1: 1,368 of 1,613,134 alleles (0.085%); highest among the groups gnomAD compares: South Asian, 0.23%; 6 homozygotes.

Submissions (2):

Mayo Clinic Laboratories, Mayo Clinic
Classification: Likely benign. Last evaluated: 2025-09-02. Review status: criteria provided, single submitter. Criteria: ACMG Guidelines, 2015. Collection method: clinical testing. Allele origin: germline. Observed: 1 variant allele.
Comment: BS2, BP4

Ambry Genetics
Classification: Uncertain significance. Last evaluated: 2025-04-20. Review status: criteria provided, single submitter. Criteria: Ambry Variant Classification Scheme 2023. Collection method: clinical testing. Allele origin: germline.

NM_007098.4(CLTCL1):c.959A>G (p.Lys320Arg)

Gene: CLTCL1 (clathrin heavy chain like 1; minus strand). Cytogenetic location: 22q11.21.
Variant type: single nucleotide variant.
Coding change: c.959A>G on transcript NM_007098.4 (MANE Select); coding-DNA position 959, A replaced by G.
Protein change: p.Lys320Arg; replaces lysine 320 with arginine.
Molecular consequence: missense variant.
Genome position (GRCh38, 1-based): chr22:19,235,706, T>C on the plus strand (A>G on the coding strand, the complement: CLTCL1 is on the minus strand). VCF-style: chr22-19235706-T-C. GRCh37 (hg19) VCF-style: chr22-19223229-T-C.
Other names: p.Lys320Arg; c.959A>G, p.Lys320Arg (NM_001835.4); short protein forms K320R.
Identifiers: ClinVar variation 4003919 (VCV004003919.2).